The following is an entry in ClinVar:

NM_004006.3(DMD):c.5603G>T (p.Arg1868Ile)

Gene: DMD (dystrophin; minus strand). Cytogenetic location: Xp21.1.
Variant type: single nucleotide variant.
Coding change: c.5603G>T on transcript NM_004006.3 (MANE Select); coding-DNA position 5603, G replaced by T.
Protein change: p.Arg1868Ile; replaces arginine 1868 with isoleucine.
Molecular consequence: missense variant.
Genome position (GRCh38, 1-based): chrX:32,343,270, C>A on the plus strand (G>T on the coding strand, the complement: DMD is on the minus strand). VCF-style: chrX-32343270-C-A. GRCh37 (hg19) VCF-style: chrX-32361387-C-A.
Other names: c.5579G>T, p.Arg1860Ile (NM_000109.4); c.5591G>T, p.Arg1864Ile (NM_004009.3); c.5234G>T, p.Arg1745Ile (NM_004010.3); c.1580G>T, p.Arg527Ile (NM_004011.4); c.1571G>T, p.Arg524Ile (NM_004012.4); short protein forms R1745I, R1864I, R524I, R1860I, R1868I, R527I.
Identifiers: ClinVar variation 3634818 (VCV003634818.2).
Genomic context (GRCh38, chrX:32,343,270, plus strand): 5'-TCATCAGCCTGCCTCTTGTACTGATACCACTGATGAGAAATTTCTAGAGCCTTTTTTCTT[C>A]TTTGAGACCTCAAATCCTGTTCATGGTGCAGACATTATTAAAATATCAATATATATGTAT-3'
Protein context (NP_003997.2, residues 1858-1878): HNALKDLRSQ[Arg1868Ile]RKKALEISHQ

ClinVar aggregate classification (germline): Uncertain significance (1 of 4 stars; one submission).

Conditions:
Duchenne muscular dystrophy (DMD). Also called: MUSCULAR DYSTROPHY, PSEUDOHYPERTROPHIC PROGRESSIVE, DUCHENNE TYPE; Duchenne Muscular Dystrophy (DMD). Identifiers: Orphanet 98896, MedGen C0013264, MONDO:0010679, OMIM 310200.

Submission:

Labcorp Genetics (formerly Invitae), Labcorp
Classification: Uncertain significance for Duchenne muscular dystrophy. Last evaluated: 2024-02-12. Review status: criteria provided, single submitter. Criteria: Invitae Variant Classification Sherloc (09022015). Collection method: clinical testing. Allele origin: germline.
Comment: This sequence change replaces arginine, which is basic and polar, with isoleucine, which is neutral and non-polar, at codon 1868 of the DMD protein (p.Arg1868Ile). This variant is not present in population databases (gnomAD no frequency). This variant has not been reported in the literature in individuals affected with DMD-related conditions. Advanced modeling of protein sequence and biophysical properties (such as structural, functional, and spatial information, amino acid conservation, physicochemical variation, residue mobility, and thermodynamic stability) performed at Invitae indicates that this missense variant is not expected to disrupt DMD protein function with a negative predictive value of 95%. Algorithms developed to predict the effect of sequence changes on RNA splicing suggest that this variant may disrupt the consensus splice site. In summary, the available evidence is currently insufficient to determine the role of this variant in disease. Therefore, it has been classified as a Variant of Uncertain Significance.